The following is an entry in ClinVar:

ClinVar aggregate classification (germline): Pathogenic/Likely pathogenic. Review status: criteria provided, multiple submitters, no conflicts (2 of 4 stars). 4 submissions from 4 submitters: Pathogenic (3); Likely pathogenic (1). Last evaluated 2023-10-13.

Conditions:
ABCA4-related disorder. Also called: ABCA4-related condition; ABCA4-related disorders. Identifiers: MedGen CN239167.
Retinal dystrophy. Also called: Inherited retinal dystrophy. Identifiers: Orphanet 71862, MedGen C0854723, MeSH D058499, MONDO:0019118, HP:0000556.
Severe early-childhood-onset retinal dystrophy (STGD1). Also called: Stargardt macular dystrophy; Juvenile onset macular degeneration; Stargardt disease 1; STGD; MACULAR DYSTROPHY WITH FLECKS, TYPE 1. Identifiers: Orphanet 364055, Orphanet 827, MedGen C1855465, MeSH D000080362, MONDO:0009549, OMIM 248200.

Allele frequency attached by ClinVar (database versions not stated): gnomAD exomes below 0.00001 and 0.00001.
gnomAD v4.1: 7 of 1,614,210 alleles (0.00043%); highest among the groups gnomAD compares: East Asian, 0.0067%; no homozygotes.

Submissions (4):

Blueprint Genetics
Classification: Likely pathogenic for ABCA4-related disorders. Last evaluated: 2023-10-13. Review status: criteria provided, single submitter. Criteria: ACMG Guidelines, 2015. Collection method: clinical testing. Allele origin: germline. Affected: yes. Observed: 3 variant alleles.

Labcorp Genetics (formerly Invitae), Labcorp
Classification: Pathogenic. Last evaluated: 2022-07-26. Review status: criteria provided, single submitter. Criteria: Invitae Variant Classification Sherloc (09022015). Collection method: clinical testing. Allele origin: germline.
Comment: This missense change has been observed in individual(s) with Stargardt disease (PMID: 23755871, 28118664). For these reasons, this variant has been classified as Pathogenic. This variant disrupts the p.Arg2077 amino acid residue in ABCA4. Other variant(s) that disrupt this residue have been determined to be pathogenic (PMID: 22264887, 29847651; Invitae). This suggests that this residue is clinically significant, and that variants that disrupt this residue are likely to be disease-causing. Advanced modeling of protein sequence and biophysical properties (such as structural, functional, and spatial information, amino acid conservation, physicochemical variation, residue mobility, and thermodynamic stability) performed at Invitae indicates that this missense variant is expected to disrupt ABCA4 protein function. ClinVar contains an entry for this variant (Variation ID: 236145). This variant is present in population databases (no rsID available, gnomAD 0.01%). This sequence change replaces arginine, which is basic and polar, with glutamine, which is neutral and polar, at codon 2077 of the ABCA4 protein (p.Arg2077Gln).

Institute of Human Genetics, Univ. Regensburg, Univ. Regensburg
Classification: Pathogenic for Retinal dystrophy. Last evaluated: 2015-01-01. Review status: criteria provided, single submitter. Criteria: ACMG Guidelines, 2015. Collection method: clinical testing. Allele origin: germline. Affected: yes.

Juno Genomics, Hangzhou Juno Genomics, Inc
Classification: Pathogenic for Severe early-childhood-onset retinal dystrophy. Review status: criteria provided, single submitter. Criteria: ACMG Guidelines, 2015. Collection method: clinical testing. Allele origin: germline.
Comment: Absent from controls (or at extremely low frequency if recessive) in Genome Aggregation Database.;Multiple lines of computational evidence support a deleterious effect on the gene or gene product.;For recessive disorders, detected in trans with a pathogenic variant.;Patient's phenotype or family history is highly specific for a disease with a single genetic etiology.;Novel missense change at an amino acid residue where a different missense change determined to be pathogenic has been seen before.

Literature cited by the submitters: PubMed 23755871 (cited by Labcorp Genetics (formerly Invitae), Labcorp and Institute of Human Genetics, Univ. Regensburg, Univ. Regensburg); PubMed 28118664 (cited by Labcorp Genetics (formerly Invitae), Labcorp and Institute of Human Genetics, Univ. Regensburg, Univ. Regensburg); PubMed 22264887 (cited by Labcorp Genetics (formerly Invitae), Labcorp); PubMed 29847651 (cited by Labcorp Genetics (formerly Invitae), Labcorp); PubMed 31589614 (cited by Institute of Human Genetics, Univ. Regensburg, Univ. Regensburg); PubMed 31964843 (cited by Institute of Human Genetics, Univ. Regensburg, Univ. Regensburg); PubMed 34426522 (cited by Institute of Human Genetics, Univ. Regensburg, Univ. Regensburg); PubMed 35119454 (cited by Institute of Human Genetics, Univ. Regensburg, Univ. Regensburg); PubMed 36460718 (cited by Institute of Human Genetics, Univ. Regensburg, Univ. Regensburg).

NM_000350.3(ABCA4):c.6230G>A (p.Arg2077Gln)

Gene: ABCA4 (ATP binding cassette subfamily A member 4; minus strand). Cytogenetic location: 1p22.1.
Variant type: single nucleotide variant.
Coding change: c.6230G>A on transcript NM_000350.3 (MANE Select); coding-DNA position 6230, G replaced by A.
Protein change: p.Arg2077Gln; replaces arginine 2077 with glutamine.
Molecular consequence: missense variant.
Genome position (GRCh38, 1-based): chr1:94,001,910, C>T on the plus strand (G>A on the coding strand, the complement: ABCA4 is on the minus strand). VCF-style: chr1-94001910-C-T. GRCh37 (hg19) VCF-style: chr1-94467466-C-T.
Other names: c.6008G>A, p.Arg2003Gln (NM_001425324.1); short protein forms R2077Q, R2003Q.
Identifiers: ClinVar variation 236145 (VCV000236145.11), dbSNP rs886044759, ClinGen allele CA10602409.
Genomic context (GRCh38, chr1:94,001,910, plus strand): 5'-GCAGTTACCAGCAGCACCAGCGGTGGGCAGCCAATGAGTGCGATGGCTGTGGAGAGTTTC[C>T]GCTTGTTGCCCCCACTGTACGTGCCAGCCAGGCAGTCGGCGTAGACAGTCAGGCCCAGGC-3'
Protein context (NP_000341.2, residues 2067-2087): LAGTYSGGNK[Arg2077Gln]KLSTAIALIG